The following is an entry in ClinVar:

ClinVar aggregate classification (germline): Likely benign (0 of 4 stars; one submission).

Conditions:
NEPRO-related disorder. Also called: NEPRO-related condition.

Allele frequency attached by ClinVar (database versions not stated): gnomAD 0.00001.
gnomAD v4.1: 8 of 1,613,634 alleles (0.0005%); highest among the groups gnomAD compares: Non-Finnish European, 0.00068%; no homozygotes.

Submission:

PreventionGenetics, part of Exact Sciences
Classification: Likely benign for NEPRO-related condition. Last evaluated: 2019-07-23. Review status: no assertion criteria provided. Collection method: clinical testing. Allele origin: germline.
Comment: This variant is classified as likely benign based on ACMG/AMP sequence variant interpretation guidelines (Richards et al. 2015 PMID: 25741868, with internal and published modifications).

NM_015412.4(RMP64):c.243C>T (p.Pro81=)

Gene: RMP64 (ribonuclease MRP subunit p64; minus strand). Cytogenetic location: 3q13.2.
Variant type: single nucleotide variant.
Coding change: c.243C>T on transcript NM_015412.4 (MANE Select); coding-DNA position 243, C replaced by T.
Protein change: p.Pro81=; no amino-acid change (proline 81 retained).
Molecular consequence: synonymous variant. On other transcripts: non-coding transcript variant (1), intron variant (5).
Genome position (GRCh38, 1-based): chr3:113,017,466, G>A on the plus strand (C>T on the coding strand, the complement: RMP64 is on the minus strand). VCF-style: chr3-113017466-G-A. GRCh37 (hg19) VCF-style: chr3-112736313-G-A.
Other names: c.243C>T, p.Pro81= (NM_001319109.2); c.-31+2076C>T (NM_001319110.2, NM_001319112.2, NM_001319115.2); c.-108+2076C>T (NM_001319111.2); c.-152+2076C>T (NM_001319114.2).
Identifiers: ClinVar variation 3050501 (VCV003050501.2), dbSNP rs758169959, ClinGen allele CA2542251.
Genomic context (GRCh38, chr3:113,017,466, plus strand): 5'-TTCAAGTGAACAGGTTGGGTCTCACCTACCGGGCTTCCTCACCTGTTTGAGGGCCAAATG[G>A]GGTTTGTGGCGGCCCATTCTGTTGTGATTGCTGTAAAGGACTGCACATAACACATCTGTT-3'
Protein context (NP_056227.2, residues 71-91): SNHNRMGRHK[Pro81=]HLALKQVEQC